The following is an entry in ClinVar:

ClinVar aggregate classification (germline): Pathogenic (1 of 4 stars; one submission).

Submission:

Labcorp Genetics (formerly Invitae), Labcorp
Classification: Pathogenic. Last evaluated: 2023-09-26. Review status: criteria provided, single submitter. Criteria: Invitae Variant Classification Sherloc (09022015). Collection method: clinical testing. Allele origin: unknown.
Comment: This variant is a gross deletion of the genomic region encompassing exon(s) 4-6 of the ATP8B1 gene. This deletion is out-of-frame, and is expected to create a premature termination codon and result in an absent or disrupted protein product. Loss-of-function variants in ATP8B1 are known to be pathogenic (PMID: 15239083, 22525741). This variant has not been reported in the literature in individuals affected with ATP8B1-related conditions. For these reasons, this variant has been classified as Pathogenic.

Literature cited by the submitters: PubMed 15239083; PubMed 22525741.

NC_000018.9:g.(?_55368251)_(55371920_?)del

Gene: ATP8B1 (ATPase phospholipid transporting 8B1; minus strand). Cytogenetic location: 18q21.31.
Variant type: Deletion.
Identifiers: ClinVar variation 3242796 (VCV003242796.1).